The following is an entry in ClinVar:

NM_001387430.1(SH2B1):c.244_249del (p.Arg82_Ala83del)

Gene: SH2B1 (SH2B adaptor protein 1; plus strand). Cytogenetic location: 16p11.2.
Variant type: Deletion.
Coding change: c.244_249del on transcript NM_001387430.1 (MANE Select); coding-DNA positions 244 to 249, 6 bases deleted (CGGGCC; older notation c.244_249delCGGGCC).
Protein change: p.Arg82_Ala83del.
Molecular consequence: inframe deletion. On other transcripts: intron variant (1).
Genome position (GRCh38, 1-based): chr16:28,866,338-28,866,343, CGGGCC deleted; deleting any 6 consecutive bases within chr16:28,866,334-28,866,343 gives the same sequence; the c. name uses the placement nearest the transcript's 3' end. VCF-style (leftmost placement, unchanged base first): chr16-28866333-TGGCCCG-T. GRCh37 (hg19) VCF-style: chr16-28877654-TGGCCCG-T.
Other names: c.244_249del, p.Arg82_Ala83del (NM_001145795.2, NM_001145796.2, NM_001145797.2 and 4 more transcripts); c.-26-1036_-26-1031del (NM_001308294.2).
Identifiers: ClinVar variation 5036942 (VCV005036942.1).

ClinVar aggregate classification (germline): Uncertain significance (1 of 4 stars; one submission).

Submission:

GeneDx
Classification: Uncertain significance. Last evaluated: 2026-04-15. Review status: criteria provided, single submitter. Criteria: GeneDx Variant Classification Process June 2021. Collection method: clinical testing. Allele origin: germline.
Comment: Not observed at significant frequency in large population cohorts (gnomAD); In-frame deletion of 2 amino acids in a non-repeat region; In silico analysis suggests that this variant does not alter protein structure/function; Has not been previously published as pathogenic or benign to our knowledge